The following is an entry in ClinVar:

NM_001201543.2(FAM161A):c.1490C>G (p.Ser497Ter)

Gene: FAM161A (FAM161 centrosomal protein A; minus strand). Cytogenetic location: 2p15.
Variant type: single nucleotide variant.
Coding change: c.1490C>G on transcript NM_001201543.2 (MANE Select); coding-DNA position 1490, C replaced by G.
Protein change: p.Ser497Ter; replaces serine 497 with a stop codon.
Molecular consequence: nonsense. On other transcripts: non-coding transcript variant (1).
Genome position (GRCh38, 1-based): chr2:61,839,514, G>C on the plus strand (C>G on the coding strand, the complement: FAM161A is on the minus strand). VCF-style: chr2-61839514-G-C. GRCh37 (hg19) VCF-style: chr2-62066649-G-C.
Other names: c.1490C>G, p.Ser497Ter (NM_032180.3); short protein forms S497*.
Identifiers: ClinVar variation 1065737 (VCV001065737.8), dbSNP rs2105080547, ClinGen allele CA346986416.

ClinVar aggregate classification (germline): Pathogenic/Likely pathogenic. Review status: criteria provided, multiple submitters, no conflicts (2 of 4 stars). 3 submissions from 3 submitters: Pathogenic (2); Likely pathogenic (1). Last evaluated 2022-10-18.

Conditions:
Retinitis pigmentosa 28 (RP28). Identifiers: Orphanet 791, MedGen C1419614, MONDO:0011630, OMIM 606068.

Submissions (3):

Labcorp Genetics (formerly Invitae), Labcorp
Classification: Pathogenic. Last evaluated: 2022-10-18. Review status: criteria provided, single submitter. Criteria: Invitae Variant Classification Sherloc (09022015). Collection method: clinical testing. Allele origin: germline.
Comment: For these reasons, this variant has been classified as Pathogenic. ClinVar contains an entry for this variant (Variation ID: 1065737). This variant has not been reported in the literature in individuals affected with FAM161A-related conditions. This variant is not present in population databases (gnomAD no frequency). This sequence change creates a premature translational stop signal (p.Ser497*) in the FAM161A gene. It is expected to result in an absent or disrupted protein product. Loss-of-function variants in FAM161A are known to be pathogenic (PMID: 20705278, 20705279, 24651477).

Fulgent Genetics
Classification: Likely pathogenic for Retinitis pigmentosa 28. Last evaluated: 2022-04-29. Review status: criteria provided, single submitter. Criteria: ACMG Guidelines, 2015. Collection method: clinical testing. Allele origin: unknown.

Ocular Genomics Institute, Massachusetts Eye and Ear
Classification: Pathogenic for Retinitis pigmentosa 28. Last evaluated: 2021-04-08. Review status: criteria provided, single submitter. Criteria: ACMG Guidelines, 2015. Collection method: research. Allele origin: germline. Affected: yes.
Comment: Through a review of available evidence we were able to apply the following criteria: PVS1, PM2, PM3. Based on this evidence we have classified this variant as Pathogenic.

Literature cited by the submitters: PubMed 20705278 (cited by Labcorp Genetics (formerly Invitae), Labcorp); PubMed 20705279 (cited by Labcorp Genetics (formerly Invitae), Labcorp); PubMed 24651477 (cited by Labcorp Genetics (formerly Invitae), Labcorp).